The following is an entry in ClinVar:

NM_001199138.2(NLRC4):c.944A>T (p.Lys315Met)

Gene: NLRC4 (NLR family CARD domain containing 4; minus strand). Cytogenetic location: 2p22.3.
Variant type: single nucleotide variant.
Coding change: c.944A>T on transcript NM_001199138.2 (MANE Select); coding-DNA position 944, A replaced by T.
Protein change: p.Lys315Met; replaces lysine 315 with methionine.
Molecular consequence: missense variant. On other transcripts: intron variant (1).
Genome position (GRCh38, 1-based): chr2:32,250,920, T>A on the plus strand (A>T on the coding strand, the complement: NLRC4 is on the minus strand). VCF-style: chr2-32250920-T-A. GRCh37 (hg19) VCF-style: chr2-32475989-T-A.
Other names: c.944A>T, p.Lys315Met (NM_001199139.2, NM_021209.5); c.262+1499A>T (NM_001302504.1); short protein forms K315M.
Identifiers: ClinVar variation 2954463 (VCV002954463.3), dbSNP rs768275257, ClinGen allele CA346513924.

ClinVar aggregate classification (germline): Uncertain significance (1 of 4 stars; one submission).

Conditions:
Periodic fever-infantile enterocolitis-autoinflammatory syndrome. Also called: Autoinflammation with infantile enterocolitis. Identifiers: Orphanet 436166, MedGen C4015067, MONDO:0014472, OMIM 616050.
Familial cold autoinflammatory syndrome 4 (FCAS4). Identifiers: Orphanet 47045, Orphanet 576349, MedGen C4015276, MONDO:0014498, OMIM 616115.

Submission:

Labcorp Genetics (formerly Invitae), Labcorp
Classification: Uncertain significance for Periodic fever-infantile enterocolitis-autoinflammatory syndrome; Familial cold autoinflammatory syndrome 4. Last evaluated: 2023-12-06. Review status: criteria provided, single submitter. Criteria: Invitae Variant Classification Sherloc (09022015). Collection method: clinical testing. Allele origin: germline.
Comment: This sequence change replaces lysine, which is basic and polar, with methionine, which is neutral and non-polar, at codon 315 of the NLRC4 protein (p.Lys315Met). This variant is not present in population databases (gnomAD no frequency). This variant has not been reported in the literature in individuals affected with NLRC4-related conditions. Advanced modeling of protein sequence and biophysical properties (such as structural, functional, and spatial information, amino acid conservation, physicochemical variation, residue mobility, and thermodynamic stability) performed at Invitae indicates that this missense variant is not expected to disrupt NLRC4 protein function with a negative predictive value of 80%. In summary, the available evidence is currently insufficient to determine the role of this variant in disease. Therefore, it has been classified as a Variant of Uncertain Significance.